The following is an entry in ClinVar:

NM_002878.4(RAD51D):c.347T>C (p.Val116Ala)

Genes: RAD51D (RAD51 paralog D; minus strand), RAD51L3-RFFL (RAD51L3-RFFL readthrough; minus strand). Cytogenetic location: 17q12.
Variant type: single nucleotide variant.
Coding change: c.347T>C on transcript NM_002878.4 (MANE Select); coding-DNA position 347, T replaced by C.
Protein change: p.Val116Ala; replaces valine 116 with alanine.
Molecular consequence: missense variant. On other transcripts: non-coding transcript variant (1), intron variant (1).
Genome position (GRCh38, 1-based): chr17:35,107,121, A>G on the plus strand (T>C on the coding strand, the complement: RAD51D is on the minus strand). VCF-style: chr17-35107121-A-G. GRCh37 (hg19) VCF-style: chr17-33434140-A-G.
Other names: c.407T>C, p.Val136Ala (NM_001142571.2); c.145-640T>C (NM_133629.3); short protein forms V116A, V136A.
Identifiers: ClinVar variation 3786508 (VCV003786508.1).

ClinVar aggregate classification (germline): Uncertain significance (1 of 4 stars; one submission).

Conditions:
Hereditary cancer-predisposing syndrome. Also called: Neoplastic Syndromes, Hereditary; Hereditary Cancer Syndrome; Tumor predisposition; Hereditary neoplastic syndrome. Identifiers: Orphanet 140162, MedGen C0027672, MeSH D009386, MONDO:0015356.

Submission:

Ambry Genetics
Classification: Uncertain significance for Hereditary cancer-predisposing syndrome. Last evaluated: 2025-02-04. Review status: criteria provided, single submitter. Criteria: Ambry Variant Classification Scheme 2023. Collection method: clinical testing. Allele origin: germline.
Comment: The p.V116A variant (also known as c.347T>C), located in coding exon 5 of the RAD51D gene, results from a T to C substitution at nucleotide position 347. The valine at codon 116 is replaced by alanine, an amino acid with similar properties. This amino acid position is conserved. In addition, the in silico prediction for this alteration is inconclusive. Based on the available evidence, the clinical significance of this variant remains unclear.